The following is an entry in ClinVar:

NM_000264.5(PTCH1):c.1153A>G (p.Ile385Val)

Gene: PTCH1 (patched 1; minus strand). Cytogenetic location: 9q22.32.
Variant type: single nucleotide variant.
Coding change: c.1153A>G on transcript NM_000264.5 (MANE Select); coding-DNA position 1153, A replaced by G.
Protein change: p.Ile385Val; replaces isoleucine 385 with valine.
Molecular consequence: missense variant. On other transcripts: non-coding transcript variant (1).
Genome position (GRCh38, 1-based): chr9:95,479,062, T>C on the plus strand (A>G on the coding strand, the complement: PTCH1 is on the minus strand). VCF-style: chr9-95479062-T-C. GRCh37 (hg19) VCF-style: chr9-98241344-T-C.
Other names: c.955A>G, p.Ile319Val (NM_001083602.3); c.1150A>G, p.Ile384Val (NM_001083603.3); c.700A>G, p.Ile234Val (NM_001083604.3, NM_001083605.3, NM_001083606.3 and 1 more transcripts); c.1153A>G, p.Ile385Val (NM_001354918.2); short protein forms I319V, I385V, I234V, I384V.
Identifiers: ClinVar variation 389591 (VCV000389591.3), dbSNP rs977358021, ClinGen allele CA16605583.

ClinVar aggregate classification (germline): Uncertain significance. Review status: criteria provided, multiple submitters, no conflicts (2 of 4 stars). 2 submissions from 2 submitters: Uncertain significance (2). Last evaluated 2023-10-06.

Conditions:
Hereditary cancer-predisposing syndrome. Also called: Hereditary Cancer Syndrome; Hereditary neoplastic syndrome; Neoplastic Syndromes, Hereditary; Tumor predisposition. Identifiers: Orphanet 140162, MedGen C0027672, MeSH D009386, MONDO:0015356.

Allele frequency attached by ClinVar (database versions not stated): gnomAD exomes below 0.00001; TOPMed below 0.00001; gnomAD 0.00001.
gnomAD v4.1: 8 of 1,614,078 alleles (0.0005%); highest among the groups gnomAD compares: Non-Finnish European, 0.00068%; no homozygotes.

Submissions (2):

Ambry Genetics
Classification: Uncertain significance for Hereditary cancer-predisposing syndrome. Last evaluated: 2023-10-06. Review status: criteria provided, single submitter. Criteria: Ambry Variant Classification Scheme 2023. Collection method: clinical testing. Allele origin: germline.
Comment: The p.I385V variant (also known as c.1153A>G), located in coding exon 8 of the PTCH1 gene, results from an A to G substitution at nucleotide position 1153. The isoleucine at codon 385 is replaced by valine, an amino acid with highly similar properties. This amino acid position is conserved. In addition, the in silico prediction for this alteration is inconclusive. Since supporting evidence is limited at this time, the clinical significance of this alteration remains unclear.

GeneDx
Classification: Uncertain significance. Last evaluated: 2016-09-23. Review status: criteria provided, single submitter. Criteria: GeneDx Variant Classification (06012015). Collection method: clinical testing. Allele origin: germline. Affected: yes.
Comment: The I385V variant in the PTCH1 gene has not, to our knowledge, been published in the literature as pathogenic or benign. This variant was not observed in approximately 6,500 individuals of European and African American ancestry in the NHLBI Exome Sequencing Project, suggesting it is not a common benign variant in these populations. Since Isoleucine and Valine share similar properties, this is considered a conservative amino acid substitution. This variant occurs at a position where amino acids with properties similar to Isoleucine are tolerated across species and is located within the extracellular topological domain (Uniprot). In silico analyses are inconsistent regarding the effect this variant may have on protein structure and function. Based on currently available evidence, it is unclear whether I385V is a pathogenic or benign variant. We consider it to be a variant of uncertain significance.